The following is an entry in ClinVar:

NM_207361.6(FREM2):c.3569del (p.Gln1190fs)

Gene: FREM2 (FRAS1 related extracellular matrix 2; plus strand). Cytogenetic location: 13q13.3.
Variant type: Deletion.
Coding change: c.3569del on transcript NM_207361.6 (MANE Select); coding-DNA position 3569, one base deleted (A; older notation c.3569delA).
Protein change: p.Gln1190fs; shifts the reading frame from glutamine 1190.
Molecular consequence: frameshift variant.
Genome position (GRCh38, 1-based): chr13:38,690,913, A deleted. VCF-style (leftmost placement, unchanged base first): chr13-38690912-CA-C. GRCh37 (hg19) VCF-style: chr13-39265049-CA-C.
Other names: short protein forms Q1190fs.
Identifiers: ClinVar variation 3012758 (VCV003012758.4), dbSNP rs753746099, ClinGen allele CA248291079.

ClinVar aggregate classification (germline): Pathogenic/Likely pathogenic. Review status: criteria provided, multiple submitters, no conflicts (2 of 4 stars). 2 submissions from 2 submitters: Pathogenic (1); Likely pathogenic (1). Last evaluated 2024-02-28.

Conditions:
Isolated cryptophthalmia. Also called: Cryptophthalmos, unilateral or bilateral, isolated; ANKYLOBLEPHARON, SIMPLE. Identifiers: Orphanet 91396, MedGen C1852453, MONDO:0007410, OMIM 123570.
Fraser syndrome 2 (FRASRS2). Identifiers: MedGen C4540036, MONDO:0054738, OMIM 617666.

Allele frequency attached by ClinVar (database versions not stated): gnomAD exomes below 0.00001.

Submissions (2):

Fulgent Genetics
Classification: Likely pathogenic for Isolated cryptophthalmia; Fraser syndrome 2. Last evaluated: 2024-02-28. Review status: criteria provided, single submitter. Criteria: ACMG Guidelines, 2015. Collection method: clinical testing. Allele origin: germline.

Labcorp Genetics (formerly Invitae), Labcorp
Classification: Pathogenic. Last evaluated: 2023-06-02. Review status: criteria provided, single submitter. Criteria: Invitae Variant Classification Sherloc (09022015). Collection method: clinical testing. Allele origin: germline.
Comment: For these reasons, this variant has been classified as Pathogenic. This variant has not been reported in the literature in individuals affected with FREM2-related conditions. This variant is not present in population databases (gnomAD no frequency). This sequence change creates a premature translational stop signal (p.Gln1190Argfs*6) in the FREM2 gene. It is expected to result in an absent or disrupted protein product. Loss-of-function variants in FREM2 are known to be pathogenic (PMID: 18203166, 26552811).

Literature cited by the submitters: PubMed 18203166 (cited by Labcorp Genetics (formerly Invitae), Labcorp); PubMed 26552811 (cited by Labcorp Genetics (formerly Invitae), Labcorp).